The following is an entry in ClinVar:

ClinVar aggregate classification (germline): Uncertain significance (1 of 4 stars; one submission).

Submission:

Labcorp Genetics (formerly Invitae), Labcorp
Classification: Uncertain significance. Last evaluated: 2022-03-25. Review status: criteria provided, single submitter. Criteria: Invitae Variant Classification Sherloc (09022015). Collection method: clinical testing. Allele origin: germline.
Comment: In summary, the available evidence is currently insufficient to determine the role of this variant in disease. Therefore, it has been classified as a Variant of Uncertain Significance. Algorithms developed to predict the effect of missense changes on protein structure and function are either unavailable or do not agree on the potential impact of this missense change (SIFT: "Deleterious"; PolyPhen-2: "Benign"; Align-GVGD: "Class C55"). This variant has not been reported in the literature in individuals affected with TNK2-related conditions. This variant is not present in population databases (gnomAD no frequency). This sequence change replaces alanine, which is neutral and non-polar, with threonine, which is neutral and polar, at codon 514 of the TNK2 protein (p.Ala514Thr).

NM_001382273.1(TNK2):c.1351G>A (p.Ala451Thr)

Gene: TNK2 (tyrosine kinase non receptor 2; minus strand). Cytogenetic location: 3q29.
Variant type: single nucleotide variant.
Coding change: c.1351G>A on transcript NM_001382273.1 (MANE Select); coding-DNA position 1351, G replaced by A.
Protein change: p.Ala451Thr; replaces alanine 451 with threonine.
Molecular consequence: missense variant. On other transcripts: non-coding transcript variant (15).
Genome position (GRCh38, 1-based): chr3:195,872,376, C>T on the plus strand (G>A on the coding strand, the complement: TNK2 is on the minus strand). VCF-style: chr3-195872376-C-T. GRCh37 (hg19) VCF-style: chr3-195599247-C-T.
Other names: c.1423G>A, p.Ala475Thr (NM_001010938.2, NM_001382272.1, NM_001387708.1 and 1 more transcripts); c.1447G>A, p.Ala483Thr (NM_001308046.2, NM_001382271.1, NM_001382275.1 and 1 more transcripts); c.1351G>A, p.Ala451Thr (NM_001382274.1, NM_001386164.1, NM_001387709.1 and 12 more transcripts); short protein forms A475T, A483T, A451T.
Identifiers: ClinVar variation 1987108 (VCV001987108.4), dbSNP rs2474518789, ClinGen allele CA355573481.